The following is an entry in ClinVar:

ClinVar aggregate classification (germline): Benign. Review status: criteria provided, multiple submitters, no conflicts (2 of 4 stars). 7 submissions from 7 submitters: Benign (5). 2 of the submissions do not count toward it. Last evaluated 2026-02-03.

Conditions:
Hyperprolinemia type 2 (HYRPRO2). Also called: 1-PYRROLINE-5-CARBOXYLATE DEHYDROGENASE DEFICIENCY; Deficiency of pyrroline-5-carboxylate reductase; Delta-1-pyrroline-5-carboxylate dehydrogenase deficiency. Identifiers: Orphanet 79101, MedGen C2931835, MONDO:0009401, OMIM 239510.

Allele frequency attached by ClinVar (database versions not stated): ESP Exome Variant Server 0.62135; gnomAD 0.63390 and 0.64077; TOPMed 0.64373; 1000 Genomes Project 30x 0.65834; 1000 Genomes Project 0.66014; gnomAD exomes 0.69781 and 0.70062; ExAC 0.70608.
gnomAD v4.1: 1,115,451 of 1,606,196 alleles (69%); highest among the groups gnomAD compares: Admixed American, 78%; 389,798 homozygotes.

Submissions (7):

Labcorp Genetics (formerly Invitae), Labcorp
Classification: Benign for Hyperprolinemia type 2. Last evaluated: 2026-02-03. Review status: criteria provided, single submitter. Criteria: Invitae Variant Classification Sherloc (09022015). Collection method: clinical testing. Allele origin: germline.

Genome-Nilou Lab
Classification: Benign for Hyperprolinemia type 2. Last evaluated: 2021-07-14. Review status: criteria provided, single submitter. Criteria: ACMG Guidelines, 2015. Collection method: clinical testing. Allele origin: germline. Affected: no.

GeneDx
Classification: Benign. Last evaluated: 2019-04-26. Review status: criteria provided, single submitter. Criteria: GeneDx Variant Classification Process June 2021. Collection method: clinical testing. Allele origin: germline. Affected: yes.

Illumina Laboratory Services, Illumina
Classification: Benign for Hyperprolinemia type 2. Last evaluated: 2018-01-13. Review status: criteria provided, single submitter. Criteria: ICSL Variant Classification Criteria 13 December 2019. Collection method: clinical testing. Allele origin: germline.
Comment: This variant was observed in the ICSL laboratory as part of a predisposition screen in an ostensibly healthy population. It had not been previously curated by ICSL or reported in the Human Gene Mutation Database (HGMD: prior to June 1st, 2018), and was therefore a candidate for classification through an automated scoring system. Utilizing variant allele frequency, disease prevalence and penetrance estimates, and inheritance mode, an automated score was calculated to assess if this variant is too frequent to cause the disease. Based on the score and internal cut-off values, a variant classified as benign is not then subjected to further curation. The score for this variant resulted in a classification of benign for this disease.

Breakthrough Genomics
Classification: Benign. Review status: criteria provided, single submitter. Criteria: ACMG Guidelines, 2015. Collection method: not provided. Allele origin: germline. Inheritance: Autosomal recessive inheritance. Affected: yes.

Diagnostic Laboratory, Department of Genetics, University Medical Center Groningen
Classification: Benign. Review status: no assertion criteria provided. Collection method: clinical testing. Allele origin: germline. Affected: yes. Study: VKGL Data-share Consensus. Not counted in ClinVar's aggregate classification.

Joint Genome Diagnostic Labs from Nijmegen and Maastricht, Radboudumc and MUMC+
Classification: Benign. Review status: no assertion criteria provided. Collection method: clinical testing. Allele origin: germline. Affected: yes. Study: VKGL Data-share Consensus. Not counted in ClinVar's aggregate classification.

NM_003748.4(ALDH4A1):c.1221A>G (p.Ala407=)

Gene: ALDH4A1 (aldehyde dehydrogenase 4 family member A1; minus strand). Cytogenetic location: 1p36.13.
Variant type: single nucleotide variant.
Coding change: c.1221A>G on transcript NM_003748.4 (MANE Select); coding-DNA position 1221, A replaced by G.
Protein change: p.Ala407=; no amino-acid change (alanine 407 retained).
Molecular consequence: synonymous variant. On other transcripts: intron variant (1).
Genome position (GRCh38, 1-based): chr1:18,876,432, T>C on the plus strand (A>G on the coding strand, the complement: ALDH4A1 is on the minus strand). VCF-style: chr1-18876432-T-C. GRCh37 (hg19) VCF-style: chr1-19202926-T-C.
Other names: c.1041A>G, p.Ala347= (NM_001161504.2); c.1221A>G, p.Ala407= (NM_170726.3); c.1185+776A>G (NM_001319218.2).
Identifiers: ClinVar variation 294376 (VCV000294376.24), dbSNP rs2230706, ClinGen allele CA646997.
Genomic context (GRCh38, chr1:18,876,432, plus strand): 5'-GTAGCCCACGGAGTCATCACACTTGCCCCCGGCCAGGATGGTGAGGCTGGGTGAGGAGCG[T>C]GCGTGCTCCAGCCACTTCTTGATACGGGCAAAGGACTGGGGTGGGCAGGGAGGAGGGAGG-3'
Protein context (NP_003739.2, residues 397-417): FARIKKWLEH[Ala407=]RSSPSLTILA